The following is an entry in ClinVar:

NM_000168.6(GLI3):c.4665dup (p.Asn1556fs)

Gene: GLI3 (GLI family zinc finger 3; minus strand). Cytogenetic location: 7p14.1.
Variant type: Duplication.
Coding change: c.4665dup on transcript NM_000168.6 (MANE Select); coding-DNA position 4665, one base duplicated (C; older notation c.4665dupC).
Protein change: p.Asn1556fs; shifts the reading frame from asparagine 1556.
Molecular consequence: frameshift variant.
Genome position (GRCh38, 1-based): chr7:41,964,408, G duplicated on the plus strand (C on the coding strand, the reverse complement: GLI3 is on the minus strand); the first of 2 consecutive G bases (chr7:41,964,408-41,964,409); duplicating either gives the same sequence. VCF-style (leftmost placement, unchanged base first): chr7-41964407-T-TG. GRCh37 (hg19) VCF-style: chr7-42004005-T-TG.
Other names: short protein forms N1556fs.
Identifiers: ClinVar variation 418811 (VCV000418811.2), dbSNP rs1554304247, ClinGen allele CA16618459.

ClinVar aggregate classification (germline): Pathogenic (1 of 4 stars; one submission).

Submission:

GeneDx
Classification: Pathogenic. Last evaluated: 2015-04-17. Review status: criteria provided, single submitter. Criteria: GeneDx Variant Classification (06012015). Collection method: clinical testing. Allele origin: germline. Affected: yes.
Comment: The c.4665dupC variant in the GLI3 gene has not been reported previously as a pathogenic variantnor as a benign polymorphism, to our knowledge. The c.4665dupC duplication causes a frameshift startingwith codon Asparagine 1556, changes this amino acid to a Glutamine residue and creates a Stop codon atposition 42 of the new reading frame, denoted p.Asn1556GlnfsX42. This variant is predicted to replacethe last 25 amino acids typically present in the protein with 41 incorrect amino acids, likely impacting theprotein structure and function. The c.4665dupC variant was not observed in approximately 6,500individuals of European and African American ancestry in the NHLBI Exome Sequencing Project,indicating it is not a common benign variant in these populations. We interpret c.4665dupC as a pathogenic variant.